The following is an entry in ClinVar:

NM_000166.6(GJB1):c.77C>T (p.Ser26Leu)

Gene: GJB1 (gap junction protein beta 1; plus strand). Cytogenetic location: Xq13.1.
Variant type: single nucleotide variant.
Coding change: c.77C>T on transcript NM_000166.6 (MANE Select); coding-DNA position 77, C replaced by T.
Protein change: p.Ser26Leu; replaces serine 26 with leucine.
Molecular consequence: missense variant.
Genome position (GRCh38, 1-based): chrX:71,223,784, C>T. VCF-style: chrX-71223784-C-T. GRCh37 (hg19) VCF-style: chrX-70443634-C-T.
Other names: c.77C>T, p.Ser26Leu (NM_001097642.3); short protein forms S26L.
Identifiers: ClinVar variation 155726 (VCV000155726.21), dbSNP rs587777876, ClinGen allele CA270646.
Genomic context (GRCh38, chrX:71,223,784, plus strand): 5'-TGTACACCTTGCTCAGTGGCGTGAACCGGCATTCTACTGCCATTGGCCGAGTATGGCTCT[C>T]GGTCATCTTCATCTTCAGAATCATGGTGCTGGTGGTGGCTGCAGAGAGTGTGTGGGGTGA-3'
Protein context (NP_000157.1, residues 16-36): HSTAIGRVWL[Ser26Leu]VIFIFRIMVL

ClinVar aggregate classification (germline): Pathogenic. Review status: criteria provided, multiple submitters, no conflicts (2 of 4 stars). 6 submissions from 6 submitters: Pathogenic (5). 1 of the submissions does not count toward it. Last evaluated 2025-10-07.

Conditions:
GJB1-related disorder. Also called: GJB1-related disorders; GJB1-related condition.
Charcot-Marie-Tooth Neuropathy X. Identifiers: MedGen CN118851.
Charcot-Marie-Tooth disease X-linked dominant 1. Also called: Charcot-Marie-Tooth Neuropathy X Type 1; X-linked Charcot-Marie-Tooth disease type 1; GJB1 Disorders: Charcot-Marie-Tooth Neuropathy (CMT1X) and Central Nervous System Phenotypes; CHARCOT-MARIE-TOOTH NEUROPATHY, X-LINKED, 1; CHARCOT-MARIE-TOOTH PERONEAL MUSCULAR ATROPHY, X-LINKED; HEREDITARY MOTOR AND SENSORY NEUROPATHY, X-LINKED. Identifiers: Orphanet 101075, MedGen C0393808, MONDO:0010549, OMIM 302800.

Submissions (6):

GeneDx
Classification: Pathogenic. Last evaluated: 2025-10-07. Review status: criteria provided, single submitter. Criteria: GeneDx Variant Classification Process June 2021. Collection method: clinical testing. Allele origin: germline. Affected: yes.
Comment: Published functional studies demonstrate a damaging effect and show that this variant alters the structure and permeability of the membrane (PMID: 9354338, 16442804); In silico analysis supports that this missense variant has a deleterious effect on protein structure/function; Missense variants in this gene are a common cause of disease and they are underrepresented in the general population; Not observed at significant frequency in large population cohorts (gnomAD); This variant is associated with the following publications: (PMID: 8889588, 27098783, 10093067, 9354338, 9361298, 8990008, 10586261, 27844031, 31211173, 32010055, 37284795, 34255403, 16442804, 35936615)

Labcorp Genetics (formerly Invitae), Labcorp
Classification: Pathogenic for Charcot-Marie-Tooth Neuropathy X. Last evaluated: 2025-08-11. Review status: criteria provided, single submitter. Criteria: Invitae Variant Classification Sherloc (09022015). Collection method: clinical testing. Allele origin: germline.
Comment: This sequence change replaces serine, which is neutral and polar, with leucine, which is neutral and non-polar, at codon 26 of the GJB1 protein (p.Ser26Leu). This variant is not present in population databases (gnomAD no frequency). This missense change has been observed in individuals with Charcot-Marie-Tooth disease, type 1X (PMID: 8990008, 9354338, 11271367, 21291455, 25429913, 25802885, 27862672). It has also been observed to segregate with disease in related individuals. ClinVar contains an entry for this variant (Variation ID: 155726). Invitae Evidence Modeling of protein sequence and biophysical properties (such as structural, functional, and spatial information, amino acid conservation, physicochemical variation, residue mobility, and thermodynamic stability) indicates that this missense variant is expected to disrupt GJB1 protein function with a positive predictive value of 95%. Experimental studies have shown that this missense change affects GJB1 function (PMID: 9354338, 16442804, 27844031). For these reasons, this variant has been classified as Pathogenic.

Blueprint Genetics
Classification: Pathogenic for GJB1-related disorders. Last evaluated: 2024-06-11. Review status: criteria provided, single submitter. Criteria: ACMG Guidelines, 2015. Collection method: clinical testing. Allele origin: germline. Affected: yes. Observed: 1 variant allele.

ARUP Laboratories, Molecular Genetics and Genomics, ARUP Laboratories
Classification: Pathogenic for Charcot-Marie-Tooth disease X-linked dominant 1. Last evaluated: 2021-01-12. Review status: criteria provided, single submitter. Criteria: ARUP Molecular Germline Variant Investigation Process 2021. Collection method: clinical testing. Allele origin: germline.
Comment: The GJB1 c.77C>T; p.Ser26Leu variant (rs587777876) is reported in the literature in multiple individuals affected with X-linked Charcot-Marie-Tooth disease (selected references: Yoshimura 1996, Hsu 2019, and Niu 2020). In vitro functional analyses demonstrate that the p.Ser26Leu alters the channels junctional permeability by reducing the pore size (Tsai 2016). This variant is also absent from general population databases (Exome Variant Server, Genome Aggregation Database), indicating it is not a common polymorphism. Based on available information, this variant is considered to be pathogenic.

Athena Diagnostics
Classification: Pathogenic. Last evaluated: 2019-01-29. Review status: criteria provided, single submitter. Criteria: Athena Diagnostics Criteria. Collection method: clinical testing. Allele origin: germline.
Comment: Not found in the total gnomAD dataset, and the data is high quality (0/204891 chr). Found in at least one symptomatic patient. Predicted to have a damaging effect on the protein. Damaging to protein function(s) relevant to disease mechanism. Moderate co-segregation with disease in affected and unaffected individuals, but from a single family.

Northcott Neuroscience Laboratory, ANZAC Research Institute
Classification: Pathogenic for X-linked hereditary motor and sensory neuropathy. Review status: no assertion criteria provided. Collection method: not provided. Allele origin: germline. Not counted in ClinVar's aggregate classification.
Comment: Family C
ClinVar note: Converted during submission from pathogenic to Pathogenic.

Literature cited by the submitters: PubMed 8990008 (cited by Labcorp Genetics (formerly Invitae), Labcorp and Athena Diagnostics); PubMed 9354338 (cited by Labcorp Genetics (formerly Invitae), Labcorp and Athena Diagnostics); PubMed 11271367 (cited by Labcorp Genetics (formerly Invitae), Labcorp and Athena Diagnostics); PubMed 21291455 (cited by Labcorp Genetics (formerly Invitae), Labcorp and Athena Diagnostics); PubMed 25429913 (cited by Labcorp Genetics (formerly Invitae), Labcorp and Athena Diagnostics); PubMed 25802885 (cited by Labcorp Genetics (formerly Invitae), Labcorp and Athena Diagnostics); PubMed 27862672 (cited by Labcorp Genetics (formerly Invitae), Labcorp and Athena Diagnostics); PubMed 16442804 (cited by Labcorp Genetics (formerly Invitae), Labcorp and Athena Diagnostics); PubMed 27844031 (cited by Labcorp Genetics (formerly Invitae), Labcorp and Athena Diagnostics); PubMed 8889588 (cited by Athena Diagnostics); PubMed 17353473 (cited by Athena Diagnostics); PubMed 12477701 (cited by Athena Diagnostics).